The following is an entry in ClinVar:

ClinVar aggregate classification (germline): Uncertain significance. Review status: criteria provided, multiple submitters, no conflicts (2 of 4 stars). 2 submissions from 2 submitters: Uncertain significance (2). Last evaluated 2020-12-22.

Allele frequency attached by ClinVar (database versions not stated): gnomAD exomes below 0.00001; TOPMed below 0.00001.
gnomAD v4.1: 2 of 1,614,156 alleles (0.00012%); highest among the groups gnomAD compares: Non-Finnish European, 0.00017%; no homozygotes.

Submissions (2):

Blueprint Genetics
Classification: Uncertain significance. Last evaluated: 2020-12-22. Review status: criteria provided, single submitter. Criteria: ACMG Guidelines, 2015. Collection method: clinical testing. Allele origin: germline.

GeneDx
Classification: Uncertain significance. Last evaluated: 2019-09-10. Review status: criteria provided, single submitter. Criteria: GeneDx Variant Classification Process June 2021. Collection method: clinical testing. Allele origin: germline. Affected: yes.
Comment: Not observed in large population cohorts (Lek et al., 2016); In silico analysis, which includes protein predictors and evolutionary conservation, supports a deleterious effect; Has not been previously published as pathogenic or benign to our knowledge

NM_001376.5(DYNC1H1):c.4216G>A (p.Glu1406Lys)

Gene: DYNC1H1 (dynein cytoplasmic 1 heavy chain 1; plus strand). Cytogenetic location: 14q32.31.
Variant type: single nucleotide variant.
Coding change: c.4216G>A on transcript NM_001376.5 (MANE Select); coding-DNA position 4216, G replaced by A.
Protein change: p.Glu1406Lys; replaces glutamic acid 1406 with lysine.
Molecular consequence: missense variant.
Genome position (GRCh38, 1-based): chr14:102,001,175, G>A. VCF-style: chr14-102001175-G-A. GRCh37 (hg19) VCF-style: chr14-102467512-G-A.
Other names: short protein forms E1406K.
Identifiers: ClinVar variation 1312075 (VCV001312075.3), dbSNP rs2048126428, ClinGen allele CA391040080.